The following is an entry in ClinVar:

ClinVar aggregate classification (germline): Uncertain significance (1 of 4 stars; one submission).

Allele frequency attached by ClinVar (database versions not stated): gnomAD exomes below 0.00001.

Submission:

Labcorp Genetics (formerly Invitae), Labcorp
Classification: Uncertain significance. Last evaluated: 2022-06-19. Review status: criteria provided, single submitter. Criteria: Invitae Variant Classification Sherloc (09022015). Collection method: clinical testing. Allele origin: germline.
Comment: In summary, the available evidence is currently insufficient to determine the role of this variant in disease. Therefore, it has been classified as a Variant of Uncertain Significance. This variant has not been reported in the literature in individuals affected with DBR1-related conditions. This variant is not present in population databases (gnomAD no frequency). This sequence change creates a premature translational stop signal (p.Gln62*) in the DBR1 gene. It is expected to result in an absent or disrupted protein product. However, the current clinical and genetic evidence is not sufficient to establish whether loss-of-function variants in DBR1 cause disease.

NM_016216.4(DBR1):c.184C>T (p.Gln62Ter)

Gene: DBR1 (debranching RNA lariats 1; minus strand). Cytogenetic location: 3q22.3.
Variant type: single nucleotide variant.
Coding change: c.184C>T on transcript NM_016216.4 (MANE Select); coding-DNA position 184, C replaced by T.
Protein change: p.Gln62Ter; replaces glutamine 62 with a stop codon.
Molecular consequence: nonsense.
Genome position (GRCh38, 1-based): chr3:138,174,612, G>A on the plus strand (C>T on the coding strand, the complement: DBR1 is on the minus strand). VCF-style: chr3-138174612-G-A. GRCh37 (hg19) VCF-style: chr3-137893454-G-A.
Other names: short protein forms Q62*.
Identifiers: ClinVar variation 2008404 (VCV002008404.4), dbSNP rs2042970379, ClinGen allele CA354678955.
Genomic context (GRCh38, chr3:138,174,612, plus strand): 5'-CAGTCCCACCCCCCCACCGCCAAGTCCGGGCCCGGCCGCGTCCTCACCTGTAGAAGGTTT[G>A]CATGTGACGATACTTGGGCGGCACGGCCATGCAGCGTAGATCCGCCTCGTTGCGCACCGC-3'